The following is an entry in ClinVar:

NM_000051.4(ATM):c.8850+5A>T

Genes: ATM (ATM serine/threonine kinase; plus strand), C11orf65 (chromosome 11 open reading frame 65; minus strand). Cytogenetic location: 11q22.3.
Variant type: single nucleotide variant.
Coding change: c.8850+5A>T on transcript NM_000051.4 (MANE Select); 5 bases into the intron after coding-DNA position 8850, A replaced by T.
Molecular consequence: intron variant.
Genome position (GRCh38, 1-based): chr11:108,354,879, A>T. VCF-style: chr11-108354879-A-T. GRCh37 (hg19) VCF-style: chr11-108225606-A-T.
Other names: c.8850+5A>T (NM_001351834.2); c.640+31041T>A (NM_001330368.2); c.695-19587T>A (NM_001351110.2).
Identifiers: ClinVar variation 574972 (VCV000574972.12), dbSNP rs1057522186, ClinGen allele CA601699234.

ClinVar aggregate classification (germline): Uncertain significance. Review status: criteria provided, multiple submitters, no conflicts (2 of 4 stars). 4 submissions from 4 submitters: Uncertain significance (4). Last evaluated 2025-12-30.

Conditions:
Hereditary cancer-predisposing syndrome. Also called: Hereditary Cancer Syndrome; Neoplastic Syndromes, Hereditary; Tumor predisposition; Hereditary neoplastic syndrome. Identifiers: Orphanet 140162, MedGen C0027672, MeSH D009386, MONDO:0015356.
Ataxia-telangiectasia syndrome (AT). Also called: Cerebello-oculocutaneous telangiectasia; Immunodeficiency with ataxia telangiectasia; Ataxia-telangiectasia, complementation group E; Ataxia-telangiectasia, complementation group D; AT, COMPLEMENTATION GROUP C; ATAXIA-TELANGIECTASIA, COMPLEMENTATION GROUP A. Identifiers: Orphanet 100, MedGen C0004135, MONDO:0008840, OMIM 208900.
Familial cancer of breast. Also called: BREAST CANCER, FAMILIAL; Hereditary breast cancer; hereditary breast carcinoma. Identifiers: Orphanet 227535, MedGen C0346153, MONDO:0016419, OMIM 114480. Disease mechanism: loss of function.

Allele frequency attached by ClinVar (database versions not stated): gnomAD exomes below 0.00001.
gnomAD v4.1: 1 of 1,609,606 alleles (0.000062%); highest among the groups gnomAD compares: Admixed American, 0.0017%; no homozygotes.

Submissions (4):

Labcorp Genetics (formerly Invitae), Labcorp
Classification: Uncertain significance for Ataxia-telangiectasia syndrome. Last evaluated: 2025-12-30. Review status: criteria provided, single submitter. Criteria: Invitae Variant Classification Sherloc (09022015). Collection method: clinical testing. Allele origin: germline.
Comment: This sequence change falls in intron 61 of the ATM gene. It does not directly change the encoded amino acid sequence of the ATM protein. It affects a nucleotide within the consensus splice site. This variant is present in population databases (no rsID available, gnomAD 0.003%). This variant has not been reported in the literature in individuals affected with ATM-related conditions. ClinVar contains an entry for this variant (Variation ID: 574972). Variants that disrupt the consensus splice site are a relatively common cause of aberrant splicing (PMID: 17576681, 9536098). Algorithms developed to predict the effect of sequence changes on RNA splicing suggest that this variant is not likely to affect RNA splicing. In summary, the available evidence is currently insufficient to determine the role of this variant in disease. Therefore, it has been classified as a Variant of Uncertain Significance.

Ambry Genetics
Classification: Uncertain significance for Hereditary cancer-predisposing syndrome. Last evaluated: 2024-10-18. Review status: criteria provided, single submitter. Criteria: Ambry Variant Classification Scheme 2023. Collection method: clinical testing. Allele origin: germline.
Comment: The c.8850+5A>T intronic variant results from an A to T substitution 5 nucleotides after coding exon 60 in the ATM gene. This nucleotide position is not well conserved in available vertebrate species. In silico splice site analysis predicts that this alteration will not have any significant effect on splicing. Based on the available evidence, the clinical significance of this variant remains unclear.

Department of Pathology and Laboratory Medicine, Sinai Health System
Classification: Uncertain significance for Familial cancer of breast. Last evaluated: 2024-01-09. Review status: criteria provided, single submitter. Criteria: ACMG Guidelines, 2015. Collection method: clinical testing. Allele origin: germline. Affected: yes.

Color Diagnostics, LLC DBA Color Health
Classification: Uncertain significance for Hereditary cancer-predisposing syndrome. Last evaluated: 2021-11-24. Review status: criteria provided, single submitter. Criteria: ACMG Guidelines, 2015. Collection method: clinical testing. Allele origin: germline.
Comment: This variant causes an A to T nucleotide substitution at the +5 position of intron 61 of the ATM gene. To our knowledge, functional studies have not been reported for this variant. This variant has not been reported in individuals affected with hereditary cancer in the literature. This variant has been identified in 1/251220 chromosomes in the general population by the Genome Aggregation Database (gnomAD). The available evidence is insufficient to determine the role of this variant in disease conclusively. Therefore, this variant is classified as a Variant of Uncertain Significance.

Literature cited by the submitters: PubMed 17576681 (cited by Labcorp Genetics (formerly Invitae), Labcorp); PubMed 9536098 (cited by Labcorp Genetics (formerly Invitae), Labcorp).